The following is an entry in ClinVar:

ClinVar aggregate classification (germline): Uncertain significance. Review status: criteria provided, multiple submitters, no conflicts (2 of 4 stars). 2 submissions from 2 submitters: Uncertain significance (2). Last evaluated 2025-02-15.

Conditions:
Inborn genetic diseases. Identifiers: MedGen C0950123, MeSH D030342.
Deafness-lymphedema-leukemia syndrome. Also called: Emberger syndrome; Lymphedema, primary, with myelodysplasia. Identifiers: Orphanet 3226, MedGen C3279664, MONDO:0013540, OMIM 614038.
Monocytopenia with susceptibility to infections. Also called: IMMUNODEFICIENCY 21; GATA2 DEFICIENCY; MONOCYTOPENIA AND MYCOBACTERIAL INFECTION SYNDROME; MONOCYTOPENIA WITH SUSCEPTIBILITY TO MYCOBACTERIAL, FUNGAL, AND PAPILLOMAVIRUS INFECTIONS AND MYELODYSPLASIA; COMBINED IMMUNODEFICIENCY WITH SUSCEPTIBILITY TO MYCOBACTERIAL, VIRAL, AND FUNGAL INFECTIONS; Dendritic cell, monocyte, B lymphocyte, and natural killer lymphocyte deficiency. Identifiers: Orphanet 228423, MedGen C3280030, MONDO:0013607, OMIM 614172.

Submissions (2):

Ambry Genetics
Classification: Uncertain significance for Inborn genetic diseases. Last evaluated: 2025-02-15. Review status: criteria provided, single submitter. Criteria: Ambry Variant Classification Scheme 2023. Collection method: clinical testing. Allele origin: germline.
Comment: The p.F446Y variant (also known as c.1337T>A), located in coding exon 5 of the GATA2 gene, results from a T to A substitution at nucleotide position 1337. The phenylalanine at codon 446 is replaced by tyrosine, an amino acid with highly similar properties. This amino acid position is conserved. In addition, the in silico prediction for this alteration is inconclusive. Based on the available evidence, the clinical significance of this variant remains unclear.

Labcorp Genetics (formerly Invitae), Labcorp
Classification: Uncertain significance for Monocytopenia with susceptibility to infections; Deafness-lymphedema-leukemia syndrome. Last evaluated: 2021-12-09. Review status: criteria provided, single submitter. Criteria: Invitae Variant Classification Sherloc (09022015). Collection method: clinical testing. Allele origin: germline.
Comment: In summary, the available evidence is currently insufficient to determine the role of this variant in disease. Therefore, it has been classified as a Variant of Uncertain Significance. Algorithms developed to predict the effect of missense changes on protein structure and function are either unavailable or do not agree on the potential impact of this missense change (SIFT: "Tolerated"; PolyPhen-2: "Probably Damaging"; Align-GVGD: "Class C0"). ClinVar contains an entry for this variant (Variation ID: 1036635). This variant has not been reported in the literature in individuals affected with GATA2-related conditions. This variant is not present in population databases (gnomAD no frequency). This sequence change replaces phenylalanine, which is neutral and non-polar, with tyrosine, which is neutral and polar, at codon 446 of the GATA2 protein (p.Phe446Tyr).

NM_032638.5(GATA2):c.1337T>A (p.Phe446Tyr)

Gene: GATA2 (GATA binding protein 2; minus strand). Cytogenetic location: 3q21.3.
Variant type: single nucleotide variant.
Coding change: c.1337T>A on transcript NM_032638.5 (MANE Select); coding-DNA position 1337, T replaced by A.
Protein change: p.Phe446Tyr; replaces phenylalanine 446 with tyrosine.
Molecular consequence: missense variant.
Genome position (GRCh38, 1-based): chr3:128,481,125, A>T on the plus strand (T>A on the coding strand, the complement: GATA2 is on the minus strand). VCF-style: chr3-128481125-A-T. GRCh37 (hg19) VCF-style: chr3-128199968-A-T.
Other names: c.1337T>A, p.Phe446Tyr (NM_001145661.2); c.1295T>A, p.Phe432Tyr (NM_001145662.1); c.1337T>A (NM_032638.4); short protein forms F432Y, F446Y.
Identifiers: ClinVar variation 1036635 (VCV001036635.7), dbSNP rs2068622027, ClinGen allele CA354412716.